The following is an entry in ClinVar:

ClinVar aggregate classification (germline): Uncertain significance. Review status: criteria provided, multiple submitters, no conflicts (2 of 4 stars). 2 submissions from 2 submitters: Uncertain significance (2). Last evaluated 2025-06-01.

gnomAD v4.1: 1 of 1,614,200 alleles (0.000062%); highest among the groups gnomAD compares: Non-Finnish European, 0.000085%; no homozygotes.

Submissions (2):

CeGaT Center for Human Genetics Tuebingen
Classification: Uncertain significance. Last evaluated: 2025-06-01. Review status: criteria provided, single submitter. Criteria: CeGaT Center For Human Genetics Tuebingen Variant Classification Criteria Version 2. Collection method: clinical testing. Allele origin: germline. Affected: yes. Observed: 1 variant allele.
Comment: DUOX2: PM2

Labcorp Genetics (formerly Invitae), Labcorp
Classification: Uncertain significance. Last evaluated: 2025-01-05. Review status: criteria provided, single submitter. Criteria: Invitae Variant Classification Sherloc (09022015). Collection method: clinical testing. Allele origin: germline.
Comment: This sequence change replaces phenylalanine, which is neutral and non-polar, with leucine, which is neutral and non-polar, at codon 1218 of the DUOX2 protein (p.Phe1218Leu). This variant is not present in population databases (gnomAD no frequency). This missense change has been observed in individual(s) with congenital hypothyroidism (PMID: 27557340). Invitae Evidence Modeling of protein sequence and biophysical properties (such as structural, functional, and spatial information, amino acid conservation, physicochemical variation, residue mobility, and thermodynamic stability) indicates that this missense variant is expected to disrupt DUOX2 protein function with a positive predictive value of 80%. In summary, the available evidence is currently insufficient to determine the role of this variant in disease. Therefore, it has been classified as a Variant of Uncertain Significance.

Literature cited by the submitters: PubMed 27557340 (cited by Labcorp Genetics (formerly Invitae), Labcorp).

NM_001363711.2(DUOX2):c.3652T>C (p.Phe1218Leu)

Gene: DUOX2 (dual oxidase 2; minus strand). Cytogenetic location: 15q21.1.
Variant type: single nucleotide variant.
Coding change: c.3652T>C on transcript NM_001363711.2 (MANE Select); coding-DNA position 3652, T replaced by C.
Protein change: p.Phe1218Leu; replaces phenylalanine 1218 with leucine.
Molecular consequence: missense variant.
Genome position (GRCh38, 1-based): chr15:45,097,655, A>G on the plus strand (T>C on the coding strand, the complement: DUOX2 is on the minus strand). VCF-style: chr15-45097655-A-G. GRCh37 (hg19) VCF-style: chr15-45389853-A-G.
Other names: c.3652T>C, p.Phe1218Leu (NM_014080.5); short protein forms F1218L.
Identifiers: ClinVar variation 3721712 (VCV003721712.10).